The following is an entry in ClinVar:

NM_001135254.2(PAX7):c.1155+3A>G

Gene: PAX7 (paired box 7; plus strand). Cytogenetic location: 1p36.13.
Variant type: single nucleotide variant.
Coding change: c.1155+3A>G on transcript NM_001135254.2 (MANE Select); 3 bases into the intron after coding-DNA position 1155, A replaced by G.
Molecular consequence: intron variant.
Genome position (GRCh38, 1-based): chr1:18,703,299, A>G. VCF-style: chr1-18703299-A-G. GRCh37 (hg19) VCF-style: chr1-19029793-A-G.
Other names: c.1155+3A>G (NM_002584.3); c.1149+3A>G (NM_013945.3).
Identifiers: ClinVar variation 3028962 (VCV003028962.2), dbSNP rs2089246022, ClinGen allele CA1156815377.

ClinVar aggregate classification (germline): Likely benign (0 of 4 stars; one submission).

Conditions:
PAX7-related disorder. Also called: PAX7-related condition.

Allele frequency attached by ClinVar (database versions not stated): gnomAD exomes below 0.00001.
gnomAD v4.1: 1 of 1,613,300 alleles (0.000062%); highest among the groups gnomAD compares: East Asian, 0.0022%; no homozygotes.

Submission:

PreventionGenetics, part of Exact Sciences
Classification: Likely benign for PAX7-related condition. Last evaluated: 2024-01-02. Review status: no assertion criteria provided. Collection method: clinical testing. Allele origin: germline.
Comment: This variant is classified as likely benign based on ACMG/AMP sequence variant interpretation guidelines (Richards et al. 2015 PMID: 25741868, with internal and published modifications).